The following is an entry in ClinVar:

ClinVar aggregate classification (germline): Uncertain significance. Review status: criteria provided, multiple submitters, no conflicts (2 of 4 stars). 3 submissions from 3 submitters: Uncertain significance (3). Last evaluated 2023-12-13.

Conditions:
ETV6-related disorder. Also called: ETV6-related condition.

Submissions (3):

ARUP Laboratories, Molecular Genetics and Genomics, ARUP Laboratories
Classification: Uncertain significance. Last evaluated: 2023-12-13. Review status: criteria provided, single submitter. Criteria: ARUP Molecular Germline Variant Investigation Process 2024. Collection method: clinical testing. Allele origin: germline.

PreventionGenetics, part of Exact Sciences
Classification: Uncertain significance for ETV6-related condition. Last evaluated: 2023-01-31. Review status: criteria provided, single submitter. Criteria: ACMG Guidelines, 2015. Collection method: clinical testing. Allele origin: germline.
Comment: The ETV6 c.542G>T variant is predicted to result in the amino acid substitution p.Arg181Leu. To our knowledge, this variant has not been reported in the literature or in a large population database, indicating this variant is rare. It is interpreted as a variant of uncertain significance in ClinVar. At this time, the clinical significance of this variant is uncertain due to the absence of conclusive functional and genetic evidence.

GeneDx
Classification: Uncertain significance. Last evaluated: 2020-01-07. Review status: criteria provided, single submitter. Criteria: GeneDx Variant Classification Process June 2021. Collection method: clinical testing. Allele origin: germline. Affected: yes.
Comment: Not observed in large population cohorts (Lek et al., 2016); In silico analysis, which includes protein predictors and evolutionary conservation, supports that this variant does not alter protein structure/function; In-silico analysis, which includes splice predictors and evolutionary conservation, is inconclusive as to whether the variant alters gene splicing. In the absence of RNA/functional studies, the actual effect of this sequence change is unknown.; Has not been previously published as pathogenic or benign to our knowledge

NM_001987.5(ETV6):c.542G>T (p.Arg181Leu)

Gene: ETV6 (ETS variant transcription factor 6; plus strand). Cytogenetic location: 12p13.2.
Variant type: single nucleotide variant.
Coding change: c.542G>T on transcript NM_001987.5 (MANE Select); coding-DNA position 542, G replaced by T.
Protein change: p.Arg181Leu; replaces arginine 181 with leucine.
Molecular consequence: missense variant.
Genome position (GRCh38, 1-based): chr12:11,869,502, G>T. VCF-style: chr12-11869502-G-T. GRCh37 (hg19) VCF-style: chr12-12022436-G-T.
Other names: short protein forms R181L.
Identifiers: ClinVar variation 1311493 (VCV001311493.4), dbSNP rs150089916, ClinGen allele CA384043451.